The following is an entry in ClinVar:

ClinVar aggregate classification (germline): Uncertain significance (1 of 4 stars; one submission).

Allele frequency attached by ClinVar (database versions not stated): ExAC 0.00001; gnomAD exomes 0.00001.
gnomAD v4.1: 4 of 1,614,162 alleles (0.00025%); highest among the groups gnomAD compares: Admixed American, 0.0067%; no homozygotes.

Submission:

Labcorp Genetics (formerly Invitae), Labcorp
Classification: Uncertain significance. Last evaluated: 2023-09-05. Review status: criteria provided, single submitter. Criteria: Invitae Variant Classification Sherloc (09022015). Collection method: clinical testing. Allele origin: germline.
Comment: This sequence change replaces lysine, which is basic and polar, with arginine, which is basic and polar, at codon 187 of the SYT2 protein (p.Lys187Arg). This variant is present in population databases (rs778448898, gnomAD 0.006%). This variant has not been reported in the literature in individuals affected with SYT2-related conditions. Advanced modeling of protein sequence and biophysical properties (such as structural, functional, and spatial information, amino acid conservation, physicochemical variation, residue mobility, and thermodynamic stability) performed at Invitae indicates that this missense variant is not expected to disrupt SYT2 protein function. Algorithms developed to predict the effect of sequence changes on RNA splicing suggest that this variant may create or strengthen a splice site. In summary, the available evidence is currently insufficient to determine the role of this variant in disease. Therefore, it has been classified as a Variant of Uncertain Significance.

NM_177402.5(SYT2):c.560A>G (p.Lys187Arg)

Gene: SYT2 (synaptotagmin 2; minus strand). Cytogenetic location: 1q32.1.
Variant type: single nucleotide variant.
Coding change: c.560A>G on transcript NM_177402.5 (MANE Select); coding-DNA position 560, A replaced by G.
Protein change: p.Lys187Arg; replaces lysine 187 with arginine.
Molecular consequence: missense variant.
Genome position (GRCh38, 1-based): chr1:202,602,451, T>C on the plus strand (A>G on the coding strand, the complement: SYT2 is on the minus strand). VCF-style: chr1-202602451-T-C. GRCh37 (hg19) VCF-style: chr1-202571579-T-C.
Other names: c.560A>G, p.Lys187Arg (NM_001136504.1); short protein forms K187R.
Identifiers: ClinVar variation 2971082 (VCV002971082.3), dbSNP rs778448898, ClinGen allele CA1333739.